The following is an entry in ClinVar:

NM_001042492.3(NF1):c.6934C>T (p.His2312Tyr)

Gene: NF1 (neurofibromin 1; plus strand). Cytogenetic location: 17q11.2.
Variant type: single nucleotide variant.
Coding change: c.6934C>T on transcript NM_001042492.3 (MANE Select); coding-DNA position 6934, C replaced by T.
Protein change: p.His2312Tyr; replaces histidine 2312 with tyrosine.
Molecular consequence: missense variant.
Genome position (GRCh38, 1-based): chr17:31,340,517, C>T. VCF-style: chr17-31340517-C-T. GRCh37 (hg19) VCF-style: chr17-29667535-C-T.
Other names: c.6871C>T, p.His2291Tyr (NM_000267.4); short protein forms H2291Y, H2312Y.
Identifiers: ClinVar variation 3634592 (VCV003634592.2).

ClinVar aggregate classification (germline): Uncertain significance (1 of 4 stars; one submission).

Conditions:
Neurofibromatosis, type 1 (NF1). Also called: VON RECKLINGHAUSEN DISEASE; Peripheral type neurofibromatosis; NEUROFIBROMATOSIS, TYPE I, SOMATIC; Neurofibromatosis, type I. Identifiers: Orphanet 636, MedGen C0027831, MONDO:0018975, OMIM 162200. Disease mechanism: loss of function.

Submission:

Labcorp Genetics (formerly Invitae), Labcorp
Classification: Uncertain significance for Neurofibromatosis, type 1. Last evaluated: 2024-02-19. Review status: criteria provided, single submitter. Criteria: Invitae Variant Classification Sherloc (09022015). Collection method: clinical testing. Allele origin: germline.
Comment: This sequence change replaces histidine, which is basic and polar, with tyrosine, which is neutral and polar, at codon 2291 of the NF1 protein (p.His2291Tyr). This variant is not present in population databases (gnomAD no frequency). This variant has not been reported in the literature in individuals affected with NF1-related conditions. Advanced modeling of protein sequence and biophysical properties (such as structural, functional, and spatial information, amino acid conservation, physicochemical variation, residue mobility, and thermodynamic stability) performed at Invitae indicates that this missense variant is expected to disrupt NF1 protein function with a positive predictive value of 95%. In summary, the available evidence is currently insufficient to determine the role of this variant in disease. Therefore, it has been classified as a Variant of Uncertain Significance.